The following is an entry in ClinVar:

ClinVar aggregate classification (germline): Pathogenic (1 of 4 stars; one submission).

Submission:

Labcorp Genetics (formerly Invitae), Labcorp
Classification: Pathogenic. Last evaluated: 2025-10-29. Review status: criteria provided, single submitter. Criteria: Invitae Variant Classification Sherloc (09022015). Collection method: clinical testing. Allele origin: germline.
Comment: This sequence change creates a premature translational stop signal (p.Asn196Lysfs*7) in the HTRA2 gene. It is expected to result in an absent or disrupted protein product. Loss-of-function variants in HTRA2 are known to be pathogenic (PMID: 25531304, 27208207, 27696117). This variant is not present in population databases (gnomAD no frequency). This variant has not been reported in the literature in individuals affected with HTRA2-related conditions. For these reasons, this variant has been classified as Pathogenic.

Literature cited by the submitters: PubMed 25531304; PubMed 27208207; PubMed 27696117.

NM_013247.5(HTRA2):c.587dup (p.Asn196fs)

Genes: HTRA2 (HtrA serine peptidase 2; plus strand), LOC129934141 (ATAC-STARR-seq lymphoblastoid active region 16073; plus strand). Cytogenetic location: 2p13.1.
Variant type: Duplication.
Coding change: c.587dup on transcript NM_013247.5 (MANE Select); coding-DNA position 587, one base duplicated (A; older notation c.587dupA).
Protein change: p.Asn196fs; shifts the reading frame from asparagine 196.
Molecular consequence: frameshift variant. On other transcripts: non-coding transcript variant (4).
Genome position (GRCh38, 1-based): chr2:74,530,697, A duplicated; the last of 2 consecutive A bases (chr2:74,530,696-74,530,697); duplicating either gives the same sequence. VCF-style (leftmost placement, unchanged base first): chr2-74530695-C-CA. GRCh37 (hg19) VCF-style: chr2-74757822-C-CA.
Other names: c.587dup, p.Asn196fs (NM_001321727.1, NM_001321728.1, NM_145074.2); short protein forms N196fs.
Identifiers: ClinVar variation 4772221 (VCV004772221.1).